The following is an entry in ClinVar:

NM_002691.4(POLD1):c.1011C>A (p.Ile337=)

Gene: POLD1 (DNA polymerase delta 1, catalytic subunit; plus strand). Cytogenetic location: 19q13.33.
Variant type: single nucleotide variant.
Coding change: c.1011C>A on transcript NM_002691.4 (MANE Select); coding-DNA position 1011, C replaced by A.
Protein change: p.Ile337=; no amino-acid change (isoleucine 337 retained).
Molecular consequence: synonymous variant. On other transcripts: non-coding transcript variant (1).
Genome position (GRCh38, 1-based): chr19:50,403,093, C>A. VCF-style: chr19-50403093-C-A. GRCh37 (hg19) VCF-style: chr19-50906350-C-A.
Other names: c.1011C>A, p.Ile337= (NM_001256849.1, NM_001308632.1).
Identifiers: ClinVar variation 2100231 (VCV002100231.5), dbSNP rs1220975957, ClinGen allele CA508182509.

ClinVar aggregate classification (germline): Benign/Likely benign. Review status: criteria provided, multiple submitters, no conflicts (2 of 4 stars). 2 submissions from 2 submitters: Benign (1); Likely benign (1). Last evaluated 2025-06-23.

Conditions:
POLD1-related polyposis and colorectal cancer syndrome (CRCS10). Also called: Colorectal cancer 10; COLORECTAL CANCER, SUSCEPTIBILITY TO, ON CHROMOSOME 19q; Colorectal cancer, susceptibility to, 10. Identifiers: Orphanet 220460, MedGen C2675481, MONDO:0012953, OMIM 612591.

Submissions (2):

Labcorp Genetics (formerly Invitae), Labcorp
Classification: Likely benign for POLD1-related polyposis and colorectal cancer syndrome. Last evaluated: 2025-06-23. Review status: criteria provided, single submitter. Criteria: Invitae Variant Classification Sherloc (09022015). Collection method: clinical testing. Allele origin: germline.

Myriad Genetics, Inc.
Classification: Benign for POLD1-related polyposis and colorectal cancer syndrome. Last evaluated: 2025-02-05. Review status: criteria provided, single submitter. Criteria: Myriad Autosomal Dominant, Autosomal Recessive and X-Linked Classification Criteria (2023). Collection method: clinical testing. Allele origin: unknown.
Comment: This variant is considered benign. This variant is a silent/synonymous amino acid change and it is not expected to impact splicing.